The following is an entry in ClinVar:

ClinVar aggregate classification (germline): Uncertain significance. Review status: criteria provided, multiple submitters, no conflicts (2 of 4 stars). 2 submissions from 2 submitters: Uncertain significance (2). Last evaluated 2025-06-27.

Submissions (2):

Ambry Genetics
Classification: Uncertain significance. Last evaluated: 2025-06-27. Review status: criteria provided, single submitter. Criteria: Ambry Variant Classification Scheme 2023. Collection method: clinical testing. Allele origin: germline.
Comment: The p.E135G variant (also known as c.404A>G), located in coding exon 1 of the TET2 gene, results from an A to G substitution at nucleotide position 404. The glutamic acid at codon 135 is replaced by glycine, an amino acid with similar properties. This amino acid position is conserved. In addition, this alteration is predicted to be tolerated by in silico analysis. Based on the available evidence, the clinical significance of this variant remains unclear.

Labcorp Genetics (formerly Invitae), Labcorp
Classification: Uncertain significance. Last evaluated: 2024-09-29. Review status: criteria provided, single submitter. Criteria: Invitae Variant Classification Sherloc (09022015). Collection method: clinical testing. Allele origin: germline.
Comment: This sequence change replaces glutamic acid, which is acidic and polar, with glycine, which is neutral and non-polar, at codon 135 of the TET2 protein (p.Glu135Gly). This variant is not present in population databases (gnomAD no frequency). This variant has not been reported in the literature in individuals affected with TET2-related conditions. An algorithm developed to predict the effect of missense changes on protein structure and function outputs the following: PolyPhen-2: "Benign". The glycine amino acid residue is found in multiple mammalian species, which suggests that this missense change does not adversely affect protein function. In summary, the available evidence is currently insufficient to determine the role of this variant in disease. Therefore, it has been classified as a Variant of Uncertain Significance.

NM_001127208.3(TET2):c.404A>G (p.Glu135Gly)

Genes: TET2 (tet methylcytosine dioxygenase 2; plus strand), TET2-AS1 (TET2 antisense RNA 1; minus strand). Cytogenetic location: 4q24.
Variant type: single nucleotide variant.
Coding change: c.404A>G on transcript NM_001127208.3 (MANE Select); coding-DNA position 404, A replaced by G.
Protein change: p.Glu135Gly; replaces glutamic acid 135 with glycine.
Molecular consequence: missense variant.
Genome position (GRCh38, 1-based): chr4:105,234,346, A>G. VCF-style: chr4-105234346-A-G. GRCh37 (hg19) VCF-style: chr4-106155503-A-G.
Other names: c.404A>G, p.Glu135Gly (NM_017628.4); short protein forms E135G.
Identifiers: ClinVar variation 3648158 (VCV003648158.3).